The following is an entry in ClinVar:

ClinVar aggregate classification (germline): Likely pathogenic (1 of 4 stars; one submission).

Conditions:
NBAS-related disorder. Also called: NBAS-related condition.

Submission:

PreventionGenetics, part of Exact Sciences
Classification: Likely pathogenic for NBAS-related condition. Last evaluated: 2023-03-31. Review status: criteria provided, single submitter. Criteria: ACMG Guidelines, 2015. Collection method: clinical testing. Allele origin: germline.
Comment: The NBAS c.3759delC variant is predicted to result in a frameshift and premature protein termination (p.Thr1254Hisfs*16). To our knowledge this variant has not been reported in the literature. This variant is reported in 0.0054% of alleles in individuals of East Asian descent in gnomAD. Frameshift variants in NBAS are expected to be pathogenic. This variant is interpreted as likely pathogenic.

NM_015909.4(NBAS):c.3759del (p.Thr1254fs)

Gene: NBAS (NBAS subunit of NRZ tethering complex; minus strand). Cytogenetic location: 2p24.3.
Variant type: Deletion.
Coding change: c.3759del on transcript NM_015909.4 (MANE Select); coding-DNA position 3759, one base deleted (C; older notation c.3759delC).
Protein change: p.Thr1254fs; shifts the reading frame from threonine 1254.
Molecular consequence: frameshift variant. On other transcripts: non-coding transcript variant (1).
Genome position (GRCh38, 1-based): chr2:15,366,638, G deleted on the plus strand (C on the coding strand, the reverse complement: NBAS is on the minus strand); the first of 5 consecutive G bases (chr2:15,366,638-15,366,642); deleting any one gives the same sequence. VCF-style (leftmost placement, unchanged base first): chr2-15366637-TG-T. GRCh37 (hg19) VCF-style: chr2-15506761-TG-T.
Other names: short protein forms T1254fs.
Identifiers: ClinVar variation 2633866 (VCV002633866.1), dbSNP rs1558275372, ClinGen allele CA916480226.